The following is an entry in ClinVar:

NM_004415.4(DSP):c.8492C>T (p.Ser2831Leu)

Gene: DSP (desmoplakin; plus strand). Cytogenetic location: 6p24.3.
Variant type: single nucleotide variant.
Coding change: c.8492C>T on transcript NM_004415.4 (MANE Select); coding-DNA position 8492, C replaced by T.
Protein change: p.Ser2831Leu; replaces serine 2831 with leucine.
Molecular consequence: missense variant.
Genome position (GRCh38, 1-based): chr6:7,585,754, C>T. VCF-style: chr6-7585754-C-T. GRCh37 (hg19) VCF-style: chr6-7585987-C-T.
Other names: c.6695C>T, p.Ser2232Leu (NM_001008844.3); c.7163C>T, p.Ser2388Leu (NM_001319034.2); short protein forms S2232L, S2831L, S2388L.
Identifiers: ClinVar variation 1763583 (VCV001763583.2), dbSNP rs761243454, ClinGen allele CA052507.
Genomic context (GRCh38, chr6:7,585,754, plus strand): 5'-AGGGCTTACCCAGCCCTTACAACATGTCTTCGGCTCCGGGGTCCCGCTCCGGCTCCCGCT[C>T]GGGATCTCGCTCCGGATCTCGCTCCGGGTCCCGCAGTGGGTCCCGGAGAGGAAGCTTTGA-3'
Protein context (NP_004406.2, residues 2821-2841): SAPGSRSGSR[Ser2831Leu]GSRSGSRSGS

ClinVar aggregate classification (germline): Uncertain significance (1 of 4 stars; one submission).

Conditions:
Cardiovascular phenotype. Identifiers: MedGen CN230736.

Allele frequency attached by ClinVar (database versions not stated): gnomAD exomes below 0.00001; TOPMed below 0.00001; ExAC 0.00001.
gnomAD v4.1: 3 of 1,609,670 alleles (0.00019%); highest among the groups gnomAD compares: South Asian, 0.0033%; no homozygotes.

Submission:

Ambry Genetics
Classification: Uncertain significance for Cardiovascular phenotype. Last evaluated: 2021-05-07. Review status: criteria provided, single submitter. Criteria: Ambry Variant Classification Scheme 2023. Collection method: clinical testing. Allele origin: germline.
Comment: The p.S2831L variant (also known as c.8492C>T), located in coding exon 24 of the DSP gene, results from a C to T substitution at nucleotide position 8492. The serine at codon 2831 is replaced by leucine, an amino acid with dissimilar properties. This amino acid position is well conserved in available vertebrate species. In addition, this alteration is predicted to be tolerated by in silico analysis. Since supporting evidence is limited at this time, the clinical significance of this alteration remains unclear.